The following is an entry in ClinVar:

ClinVar aggregate classification (germline): Likely pathogenic (1 of 4 stars; one submission).

Conditions:
Dilated cardiomyopathy 1G (CMD1G). Identifiers: Orphanet 154, MedGen C1858763, MONDO:0011400, OMIM 604145.
Autosomal recessive limb-girdle muscular dystrophy type 2J (LGMDR10). Also called: Limb-girdle muscular dystrophy, type 2J; MUSCULAR DYSTROPHY, LIMB-GIRDLE, AUTOSOMAL RECESSIVE 10. Identifiers: Orphanet 140922, MedGen C1837342, MONDO:0012127, OMIM 608807.

Submission:

Labcorp Genetics (formerly Invitae), Labcorp
Classification: Likely pathogenic for Dilated cardiomyopathy 1G; Autosomal recessive limb-girdle muscular dystrophy type 2J. Last evaluated: 2024-10-18. Review status: criteria provided, single submitter. Criteria: Invitae Variant Classification Sherloc (09022015). Collection method: clinical testing. Allele origin: germline.
Comment: This sequence change creates a premature translational stop signal (p.Ser9665Glnfs*13) in the TTN gene. While this is not anticipated to result in nonsense mediated decay, it is expected to create a truncated TTN protein. This variant is not present in population databases (gnomAD no frequency). This variant has not been reported in the literature in individuals affected with TTN-related conditions. Algorithms developed to predict the effect of sequence changes on RNA splicing suggest that this variant may disrupt the consensus splice site. This variant is located in the I band of TTN (PMID: 25589632). Truncating variants in this region have been reported in individuals affected with autosomal recessive centronuclear myopathy (PMID: 23975875, internal data). Truncating variants in this region have also been identified in individuals affected with autosomal dominant dilated cardiomyopathy and/or cardio-related conditions (PMID: 27869827, 32964742, internal data). In summary, the currently available evidence indicates that the variant is pathogenic, but additional data are needed to prove that conclusively. Therefore, this variant has been classified as Likely Pathogenic.

Literature cited by the submitters: PubMed 25589632; PubMed 23975875; PubMed 27869827; PubMed 32964742.

NM_001267550.2(TTN):c.28993del (p.Ser9665fs)

Gene: TTN (titin; minus strand). Cytogenetic location: 2q31.2.
Variant type: Deletion.
Coding change: c.28993del on transcript NM_001267550.2 (MANE Select); coding-DNA position 28993, one base deleted (T; older notation c.28993delT).
Protein change: p.Ser9665fs; shifts the reading frame from serine 9665.
Molecular consequence: frameshift variant. On other transcripts: intron variant (3).
Genome position (GRCh38, 1-based): chr2:178,707,574, A deleted on the plus strand (T on the coding strand, the reverse complement: TTN is on the minus strand); the first of 2 consecutive A bases (chr2:178,707,574-178,707,575); deleting either gives the same sequence. VCF-style (leftmost placement, unchanged base first): chr2-178707573-GA-G. GRCh37 (hg19) VCF-style: chr2-179572300-GA-G.
Other names: c.28042del, p.Ser9348fs (NM_001256850.1); c.25261del, p.Ser8421fs (NM_133378.4); c.13282+30508del (NM_003319.4); c.13858+30508del (NM_133437.4); c.13657+30508del (NM_133432.3); short protein forms S9665fs, S9348fs, S8421fs.
Identifiers: ClinVar variation 2947114 (VCV002947114.3), dbSNP rs2475447943, ClinGen allele CA2740096244.